The following is an entry in ClinVar:

NM_000268.4(NF2):c.1561A>T (p.Ile521Leu)

Gene: NF2 (NF2, moesin-ezrin-radixin like (MERLIN) tumor suppressor; plus strand). Cytogenetic location: 22q12.2.
Variant type: single nucleotide variant.
Coding change: c.1561A>T on transcript NM_000268.4 (MANE Select); coding-DNA position 1561, A replaced by T.
Protein change: p.Ile521Leu; replaces isoleucine 521 with leucine.
Molecular consequence: missense variant. On other transcripts: non-coding transcript variant (1), intron variant (1).
Genome position (GRCh38, 1-based): chr22:29,678,310, A>T. VCF-style: chr22-29678310-A-T. GRCh37 (hg19) VCF-style: chr22-30074299-A-T.
Other names: c.1447A>T, p.Ile483Leu (NM_001407053.1, NM_001407056.1); c.1438A>T, p.Ile480Leu (NM_001407054.1, NM_001407058.1, NM_181829.3); c.1435A>T, p.Ile479Leu (NM_001407055.1, NM_181828.3); c.1426A>T, p.Ile476Leu (NM_001407057.1, NM_001407059.1); c.1561A>T, p.Ile521Leu (NM_001407060.1, NM_001407066.1, NM_016418.5 and 2 more transcripts); c.1303A>T, p.Ile435Leu (NM_001407062.1); c.1312A>T, p.Ile438Leu (NM_001407063.1, NM_001407064.1, NM_181830.3 and 1 more transcripts); c.1027A>T, p.Ile343Leu (NM_001407065.1); and 2 more; short protein forms I435L, I444L, I476L, I479L, I483L, I438L, I343L, I480L.
Identifiers: ClinVar variation 4119212 (VCV004119212.1).

ClinVar aggregate classification (germline): Uncertain significance (1 of 4 stars; one submission).

Conditions:
Hereditary cancer-predisposing syndrome. Also called: Hereditary neoplastic syndrome; Neoplastic Syndromes, Hereditary; Tumor predisposition; Hereditary Cancer Syndrome. Identifiers: Orphanet 140162, MedGen C0027672, MeSH D009386, MONDO:0015356.

Submission:

Ambry Genetics
Classification: Uncertain significance for Hereditary cancer-predisposing syndrome. Last evaluated: 2025-07-18. Review status: criteria provided, single submitter. Criteria: Ambry Variant Classification Scheme 2023. Collection method: clinical testing. Allele origin: germline.
Comment: The p.I521L variant (also known as c.1561A>T), located in coding exon 14 of the NF2 gene, results from an A to T substitution at nucleotide position 1561. The isoleucine at codon 521 is replaced by leucine, an amino acid with highly similar properties. This amino acid position is conserved. In addition, the in silico prediction for this alteration is inconclusive. Based on the available evidence, the clinical significance of this variant remains unclear.